The following is an entry in ClinVar:

NM_023014.1(PRAMEF2):c.553C>T (p.Leu185=)

Genes: PRAMEF2 (PRAME family member 2; plus strand), LOC126805622 (CDK7 strongly-dependent group 2 enhancer GRCh37_chr1:12919058-12920257; plus strand). Cytogenetic location: 1p36.21.
Variant type: single nucleotide variant.
Coding change: c.553C>T on transcript NM_023014.1 (MANE Select); coding-DNA position 553, C replaced by T.
Protein change: p.Leu185=; no amino-acid change (leucine 185 retained).
Molecular consequence: synonymous variant.
Genome position (GRCh38, 1-based): chr1:12,859,958, C>T. VCF-style: chr1-12859958-C-T. GRCh37 (hg19) VCF-style: chr1-12919813-C-T.
Identifiers: ClinVar variation 3025319 (VCV003025319.22), dbSNP rs564584928, ClinGen allele CA608056.

ClinVar aggregate classification (germline): Likely benign (1 of 4 stars; one submission).

Allele frequency attached by ClinVar (database versions not stated): 1000 Genomes Project 0.00080.

Submission:

CeGaT Center for Human Genetics Tuebingen
Classification: Likely benign. Last evaluated: 2024-01-01. Review status: criteria provided, single submitter. Criteria: CeGaT Center For Human Genetics Tuebingen Variant Classification Criteria Version 2. Collection method: clinical testing. Allele origin: germline. Affected: yes. Observed: 1 variant allele.
Comment: PRAMEF2: PP3, BS2